The following is an entry in ClinVar:

NM_000310.4(PPT1):c.676G>A (p.Val226Met)

Gene: PPT1 (palmitoyl-protein thioesterase 1; minus strand). Cytogenetic location: 1p34.2.
Variant type: single nucleotide variant.
Coding change: c.676G>A on transcript NM_000310.4 (MANE Select); coding-DNA position 676, G replaced by A.
Protein change: p.Val226Met; replaces valine 226 with methionine.
Molecular consequence: missense variant.
Genome position (GRCh38, 1-based): chr1:40,078,610, C>T on the plus strand (G>A on the coding strand, the complement: PPT1 is on the minus strand). VCF-style: chr1-40078610-C-T. GRCh37 (hg19) VCF-style: chr1-40544282-C-T.
Other names: p.Val226Met; c.367G>A, p.Val123Met (NM_001142604.2); c.676G>A, p.Val226Met (NM_001363695.2); short protein forms V226M, V123M.
Identifiers: ClinVar variation 297245 (VCV000297245.19), dbSNP rs375190067, ClinGen allele CA789590.

ClinVar aggregate classification (germline): Uncertain significance. Review status: criteria provided, multiple submitters, no conflicts (2 of 4 stars). 7 submissions from 7 submitters: Uncertain significance (6). 1 of the submissions does not count toward it. Last evaluated 2024-07-29.

Conditions:
Neuronal ceroid lipofuscinosis 1 (CLN1). Also called: CEROID LIPOFUSCINOSIS, NEURONAL, 1, VARIABLE AGE AT ONSET; PPT1-Related Neuronal Ceroid-Lipofuscinosis. Identifiers: Orphanet 228329, MedGen C1850451, MONDO:0009744, OMIM 256730.

Allele frequency attached by ClinVar (database versions not stated): TOPMed 0.00002; gnomAD 0.00003; gnomAD exomes 0.00003 and 0.00008; ExAC 0.00004; ESP Exome Variant Server 0.00008.

Submissions (7):

Blueprint Genetics
Classification: Uncertain significance. Last evaluated: 2024-07-29. Review status: criteria provided, single submitter. Criteria: ACMG Guidelines, 2015. Collection method: clinical testing. Allele origin: germline.

Labcorp Genetics (formerly Invitae), Labcorp
Classification: Uncertain significance for Neuronal ceroid lipofuscinosis 1. Last evaluated: 2022-08-21. Review status: criteria provided, single submitter. Criteria: Invitae Variant Classification Sherloc (09022015). Collection method: clinical testing. Allele origin: germline.
Comment: This sequence change replaces valine, which is neutral and non-polar, with methionine, which is neutral and non-polar, at codon 226 of the PPT1 protein (p.Val226Met). This variant is present in population databases (rs375190067, gnomAD 0.05%). This variant has not been reported in the literature in individuals affected with PPT1-related conditions. ClinVar contains an entry for this variant (Variation ID: 297245). Advanced modeling of protein sequence and biophysical properties (such as structural, functional, and spatial information, amino acid conservation, physicochemical variation, residue mobility, and thermodynamic stability) performed at Invitae indicates that this missense variant is expected to disrupt PPT1 protein function. In summary, the available evidence is currently insufficient to determine the role of this variant in disease. Therefore, it has been classified as a Variant of Uncertain Significance.

Mayo Clinic Laboratories, Mayo Clinic
Classification: Uncertain significance. Last evaluated: 2021-06-07. Review status: criteria provided, single submitter. Criteria: ACMG Guidelines, 2015. Collection method: clinical testing. Allele origin: germline.

GeneDx
Classification: Uncertain significance. Last evaluated: 2021-03-18. Review status: criteria provided, single submitter. Criteria: GeneDx Variant Classification Process June 2021. Collection method: clinical testing. Allele origin: germline. Affected: yes.
Comment: In silico analysis supports that this missense variant has a deleterious effect on protein structure/function; Has not been previously published as pathogenic or benign to our knowledge

Illumina Laboratory Services, Illumina
Classification: Uncertain significance for Neuronal ceroid lipofuscinosis 1. Last evaluated: 2018-01-13. Review status: criteria provided, single submitter. Criteria: ICSL Variant Classification Criteria 13 December 2019. Collection method: clinical testing. Allele origin: germline.

Eurofins Ntd Llc (ga)
Classification: Uncertain significance. Last evaluated: 2017-01-25. Review status: criteria provided, single submitter. Criteria: EGL Classification Definitions 2015. Collection method: clinical testing. Allele origin: germline. Observed: 1 variant allele, 1 heterozygote.

Natera, Inc.
Classification: Uncertain significance for Neuronal ceroid lipofuscinosis 1. Last evaluated: 2020-01-24. Review status: no assertion criteria provided. Collection method: clinical testing. Allele origin: germline. Not counted in ClinVar's aggregate classification.